The following is an entry in ClinVar:

NM_001025616.3(ARHGAP24):c.1249C>G (p.Pro417Ala)

Gene: ARHGAP24 (Rho GTPase activating protein 24; plus strand). Cytogenetic location: 4q21.23.
Variant type: single nucleotide variant.
Coding change: c.1249C>G on transcript NM_001025616.3 (MANE Select); coding-DNA position 1249, C replaced by G.
Protein change: p.Pro417Ala; replaces proline 417 with alanine.
Molecular consequence: missense variant.
Genome position (GRCh38, 1-based): chr4:85,994,903, C>G. VCF-style: chr4-85994903-C-G. GRCh37 (hg19) VCF-style: chr4-86916056-C-G.
Other names: p.Pro417Ala; c.964C>G, p.Pro322Ala (NM_001042669.2); c.994C>G, p.Pro332Ala (NM_001287805.2); c.670C>G, p.Pro224Ala (NM_001346093.2); c.970C>G, p.Pro324Ala (NM_031305.3); short protein forms P224A, P322A, P324A, P332A, P417A.
Identifiers: ClinVar variation 1195227 (VCV001195227.17), dbSNP rs35521695, ClinGen allele CA2994697.

ClinVar aggregate classification (germline): Benign/Likely benign. Review status: criteria provided, multiple submitters, no conflicts (2 of 4 stars). 5 submissions from 5 submitters: Benign (2); Likely benign (3). Last evaluated 2026-01-27.

Allele frequency attached by ClinVar (database versions not stated): 1000 Genomes Project 0.00559; 1000 Genomes Project 30x 0.00593; ExAC 0.01134; gnomAD 0.01197 and 0.01218; TOPMed 0.01218; gnomAD exomes 0.01283; ESP Exome Variant Server 0.01338.
gnomAD v4.1: 25,023 of 1,614,032 alleles (1.6%); highest among the groups gnomAD compares: Non-Finnish European, 1.7%; 293 homozygotes.

Submissions (5):

Labcorp Genetics (formerly Invitae), Labcorp
Classification: Benign. Last evaluated: 2026-01-27. Review status: criteria provided, single submitter. Criteria: Invitae Variant Classification Sherloc (09022015). Collection method: clinical testing. Allele origin: germline.

GeneDx
Classification: Likely benign. Last evaluated: 2025-03-12. Review status: criteria provided, single submitter. Criteria: GeneDx Variant Classification Process June 2021. Collection method: clinical testing. Allele origin: germline. Affected: yes.
Comment: See Variant Classification Assertion Criteria.

Blueprint Genetics
Classification: Likely benign. Last evaluated: 2024-11-26. Review status: criteria provided, single submitter. Criteria: ACMG Guidelines, 2015. Collection method: clinical testing. Allele origin: germline.

Mayo Clinic Laboratories, Mayo Clinic
Classification: Benign. Last evaluated: 2023-04-03. Review status: criteria provided, single submitter. Criteria: ACMG Guidelines, 2015. Collection method: clinical testing. Allele origin: germline. Observed: 4 variant alleles.

Breakthrough Genomics
Classification: Likely benign. Review status: criteria provided, single submitter. Criteria: ACMG Guidelines, 2015. Collection method: not provided. Allele origin: germline. Inheritance: Unknown mechanism. Affected: yes.